The following is an entry in ClinVar:

ClinVar aggregate classification (germline): Uncertain significance. Review status: criteria provided, multiple submitters, no conflicts (2 of 4 stars). 2 submissions from 2 submitters: Uncertain significance (2). Last evaluated 2025-08-19.

Conditions:
Autosomal recessive limb-girdle muscular dystrophy type 2J (LGMDR10). Also called: Limb-girdle muscular dystrophy, type 2J; MUSCULAR DYSTROPHY, LIMB-GIRDLE, AUTOSOMAL RECESSIVE 10. Identifiers: Orphanet 140922, MedGen C1837342, MONDO:0012127, OMIM 608807.
Dilated cardiomyopathy 1G (CMD1G). Identifiers: Orphanet 154, MedGen C1858763, MONDO:0011400, OMIM 604145.
TTN-related disorder. Also called: TTN-related condition; TTN-related disease; TTN-related disorders.

Submissions (2):

PreventionGenetics, part of Exact Sciences
Classification: Uncertain significance for TTN-related condition. Last evaluated: 2025-08-19. Review status: criteria provided, single submitter. Criteria: ACMG Guidelines, 2015. Collection method: clinical testing. Allele origin: germline.
Comment: The TTN c.38519A>G variant is predicted to result in the amino acid substitution p.Lys12840Arg. To our knowledge, this variant has not been reported in the literature or in a large population database (gnomAD), indicating this variant is rare. At this time, the clinical significance of this variant is uncertain due to the absence of conclusive functional and genetic evidence.

Labcorp Genetics (formerly Invitae), Labcorp
Classification: Uncertain significance for Dilated cardiomyopathy 1G; Autosomal recessive limb-girdle muscular dystrophy type 2J. Last evaluated: 2017-07-01. Review status: criteria provided, single submitter. Criteria: Invitae Variant Classification Sherloc (09022015). Collection method: clinical testing. Allele origin: germline.

NM_001267550.2(TTN):c.38519A>G (p.Lys12840Arg)

Gene: TTN (titin; minus strand). Cytogenetic location: 2q31.2.
Variant type: single nucleotide variant.
Coding change: c.38519A>G on transcript NM_001267550.2 (MANE Select); coding-DNA position 38519, A replaced by G.
Protein change: p.Lys12840Arg; replaces lysine 12840 with arginine.
Molecular consequence: missense variant. On other transcripts: intron variant (5).
Genome position (GRCh38, 1-based): chr2:178,653,843, T>C on the plus strand (A>G on the coding strand, the complement: TTN is on the minus strand). VCF-style: chr2-178653843-T-C. GRCh37 (hg19) VCF-style: chr2-179518570-T-C.
Other names: c.13283-11526A>G (NM_003319.4); c.13859-11526A>G (NM_133437.4); c.13658-11526A>G (NM_133432.3); c.31742-1302A>G (NM_133378.4); c.34523-1302A>G (NM_001256850.1); short protein forms K12840R.
Identifiers: ClinVar variation 467095 (VCV000467095.4), dbSNP rs1250144035, ClinGen allele CA349471294.
Genomic context (GRCh38, chr2:178,653,843, plus strand): 5'-TCTTCTGCAGAATGAAGTCAGGGCTAAAGTGTACCTGGGACAATTGGAGCTTCTGGTTTT[T>C]TGGGTGGAGCCACGGGAATTTCTTTTTCTGCGGCTTCTTGAGGAACTTCTGGCACTTGAA-3'
Protein context (NP_001254479.2, residues 12830-12850): AEKEIPVAPP[Lys12840Arg]KPEAPIVPVP